The following is an entry in ClinVar:

NM_007194.4(CHEK2):c.1065G>A (p.Leu355=)

Gene: CHEK2 (checkpoint kinase 2; minus strand). Cytogenetic location: 22q12.1.
Variant type: single nucleotide variant.
Coding change: c.1065G>A on transcript NM_007194.4 (MANE Select); coding-DNA position 1065, G replaced by A.
Protein change: p.Leu355=; no amino-acid change (leucine 355 retained).
Molecular consequence: synonymous variant. On other transcripts: intron variant (3).
Genome position (GRCh38, 1-based): chr22:28,696,931, C>T on the plus strand (G>A on the coding strand, the complement: CHEK2 is on the minus strand). VCF-style: chr22-28696931-C-T. GRCh37 (hg19) VCF-style: chr22-29092919-C-T.
Other names: c.1194G>A, p.Leu398= (NM_001005735.3); c.402G>A, p.Leu134= (NM_001257387.3, NM_001437942.1); c.864G>A, p.Leu288= (NM_001349956.3); c.1158G>A, p.Leu386= (NM_001438293.1); c.1009-1058G>A (NM_145862.3); c.1102-1058G>A (NM_001438295.1); c.1138-1058G>A (NM_001438294.1).
Identifiers: ClinVar variation 460772 (VCV000460772.22), dbSNP rs938389349, ClinGen allele CA323006779.
Genomic context (GRCh38, chr22:28,696,931, plus strand): 5'-ATAGCCACATACAGAATGCCAATTTCTTACCTTTATAAGACAGTCCTCTTCTTGAGATGA[C>T]AGTAAAACATTCTCTGGCTTTAAGTCACGGTGTATAATACCGTTTTCATGAAGGTACTAC-3'
Protein context (NP_009125.1, residues 345-365): HRDLKPENVL[Leu355=]SSQEEDCLIK

ClinVar aggregate classification (germline): Benign/Likely benign. Review status: criteria provided, multiple submitters, no conflicts (2 of 4 stars). 6 submissions from 6 submitters: Benign (2); Likely benign (4). Last evaluated 2026-02-18.

Conditions:
CHEK2-related disorder.
Hereditary cancer-predisposing syndrome. Also called: Tumor predisposition; Hereditary neoplastic syndrome; Neoplastic Syndromes, Hereditary; Hereditary Cancer Syndrome. Identifiers: Orphanet 140162, MedGen C0027672, MeSH D009386, MONDO:0015356.
Familial cancer of breast. Also called: Hereditary breast cancer; hereditary breast carcinoma; BREAST CANCER, FAMILIAL. Identifiers: Orphanet 227535, MedGen C0346153, MONDO:0016419, OMIM 114480. Disease mechanism: loss of function.

Allele frequency attached by ClinVar (database versions not stated): gnomAD exomes below 0.00001; gnomAD 0.00003 and 0.00004; TOPMed 0.00004.
gnomAD v4.1: 6 of 1,613,128 alleles (0.00037%); highest among the groups gnomAD compares: African/African-American, 0.008%; no homozygotes.

Submissions (6):

PreventionGenetics, part of Exact Sciences
Classification: Likely benign for CHEK2-related condition. Last evaluated: 2026-02-18. Review status: criteria provided, single submitter. Criteria: ACMG Guidelines, 2015. Collection method: clinical testing. Allele origin: germline.
Comment: This variant is classified as likely benign based on ACMG/AMP sequence variant interpretation guidelines (Richards et al. 2015 PMID: 25741868, with internal and published modifications).

Labcorp Genetics (formerly Invitae), Labcorp
Classification: Likely benign for Familial cancer of breast. Last evaluated: 2025-12-22. Review status: criteria provided, single submitter. Criteria: Invitae Variant Classification Sherloc (09022015). Collection method: clinical testing. Allele origin: germline.

Color Diagnostics, LLC DBA Color Health
Classification: Likely benign for Hereditary cancer-predisposing syndrome. Last evaluated: 2025-09-14. Review status: criteria provided, single submitter. Criteria: ACMG Guidelines, 2015. Collection method: clinical testing. Allele origin: germline.

Myriad Genetics, Inc.
Classification: Benign for Familial cancer of breast. Last evaluated: 2024-10-04. Review status: criteria provided, single submitter. Criteria: Myriad Autosomal Dominant, Autosomal Recessive and X-Linked Classification Criteria (2023). Collection method: clinical testing. Allele origin: unknown.
Comment: This variant is considered benign. This variant is a silent/synonymous amino acid change and it is not expected to impact splicing.

Ambry Genetics
Classification: Likely benign for Hereditary cancer-predisposing syndrome. Last evaluated: 2016-03-14. Review status: criteria provided, single submitter. Criteria: Ambry Variant Classification Scheme 2023. Collection method: clinical testing. Allele origin: germline.

GeneDx
Classification: Benign. Last evaluated: 2015-08-24. Review status: criteria provided, single submitter. Criteria: GeneDx Variant Classification Process June 2021. Collection method: clinical testing. Allele origin: germline. Affected: yes.